The following is an entry in ClinVar:

ClinVar aggregate classification (germline): Uncertain significance (1 of 4 stars; one submission).

Conditions:
Adams-Oliver syndrome 5 (AOS5). Identifiers: Orphanet 974, MedGen C4014970, MONDO:0014459, OMIM 616028.

gnomAD v4.1: 2 of 1,612,742 alleles (0.00012%); highest among the groups gnomAD compares: Non-Finnish European, 0.00017%; no homozygotes.

Submission:

Labcorp Genetics (formerly Invitae), Labcorp
Classification: Uncertain significance for Adams-Oliver syndrome 5. Last evaluated: 2022-10-30. Review status: criteria provided, single submitter. Criteria: Invitae Variant Classification Sherloc (09022015). Collection method: clinical testing. Allele origin: germline.
Comment: This sequence change replaces valine, which is neutral and non-polar, with phenylalanine, which is neutral and non-polar, at codon 457 of the NOTCH1 protein (p.Val457Phe). In summary, the available evidence is currently insufficient to determine the role of this variant in disease. Therefore, it has been classified as a Variant of Uncertain Significance. Advanced modeling of protein sequence and biophysical properties (such as structural, functional, and spatial information, amino acid conservation, physicochemical variation, residue mobility, and thermodynamic stability) performed at Invitae indicates that this missense variant is not expected to disrupt NOTCH1 protein function. This variant has not been reported in the literature in individuals affected with NOTCH1-related conditions. The frequency data for this variant in the population databases is considered unreliable, as metrics indicate poor data quality at this position in the gnomAD database.

NM_017617.5(NOTCH1):c.1369G>T (p.Val457Phe)

Gene: NOTCH1 (notch receptor 1; minus strand). Cytogenetic location: 9q34.3.
Variant type: single nucleotide variant.
Coding change: c.1369G>T on transcript NM_017617.5 (MANE Select); coding-DNA position 1369, G replaced by T.
Protein change: p.Val457Phe; replaces valine 457 with phenylalanine.
Molecular consequence: missense variant.
Genome position (GRCh38, 1-based): chr9:136,517,824, C>A on the plus strand (G>T on the coding strand, the complement: NOTCH1 is on the minus strand). VCF-style: chr9-136517824-C-A. GRCh37 (hg19) VCF-style: chr9-139412276-C-A.
Other names: short protein forms V457F.
Identifiers: ClinVar variation 2809528 (VCV002809528.3), dbSNP rs573153379, ClinGen allele CA5341826.
Genomic context (GRCh38, chr9:136,517,824, plus strand): 5'-TGCACTGGAACTCCCCAATCTGGTCCAGGCAGGTGGCGTCGTTCTGGCACGGGTTCGAGA[C>A]GCACTCGTTGACGTCGATCTCGCATCGGGGGCCCGTGTAGCCCTGCAGACACTGGCACTC-3'
Protein context (NP_060087.3, residues 447-467): PRCEIDVNEC[Val457Phe]SNPCQNDATC